The following is an entry in ClinVar:

NM_014967.5(FAN1):c.2245C>G (p.Arg749Gly)

Genes: FAN1 (FANCD2 and FANCI associated nuclease 1; plus strand), MTMR10 (myotubularin related protein 10; minus strand). Cytogenetic location: 15q13.3.
Variant type: single nucleotide variant.
Coding change: c.2245C>G on transcript NM_014967.5 (MANE Select); coding-DNA position 2245, C replaced by G.
Protein change: p.Arg749Gly; replaces arginine 749 with glycine.
Molecular consequence: missense variant.
Genome position (GRCh38, 1-based): chr15:30,925,199, C>G. VCF-style: chr15-30925199-C-G. GRCh37 (hg19) VCF-style: chr15-31217402-C-G.
Other names: short protein forms R749G.
Identifiers: ClinVar variation 2637027 (VCV002637027.2), dbSNP rs387907279, ClinGen allele CA267473449.

ClinVar aggregate classification (germline): Uncertain significance. Review status: criteria provided, multiple submitters, no conflicts (2 of 4 stars). 2 submissions from 2 submitters: Uncertain significance (2). Last evaluated 2024-02-28.

Conditions:
Karyomegalic interstitial nephritis. Identifiers: Orphanet 401996, MedGen C3553774, MONDO:0013898, OMIM 614817.
FAN1-related disorder. Also called: FAN1-related condition.

gnomAD v4.1: 5 of 1,613,884 alleles (0.00031%); highest among the groups gnomAD compares: African/African-American, 0.004%; no homozygotes.

Submissions (2):

Fulgent Genetics
Classification: Uncertain significance for Karyomegalic interstitial nephritis. Last evaluated: 2024-02-28. Review status: criteria provided, single submitter. Criteria: ACMG Guidelines, 2015. Collection method: clinical testing. Allele origin: germline.

PreventionGenetics, part of Exact Sciences
Classification: Uncertain significance for FAN1-related condition. Last evaluated: 2022-12-22. Review status: criteria provided, single submitter. Criteria: ACMG Guidelines, 2015. Collection method: clinical testing. Allele origin: germline.
Comment: The FAN1 c.2245C>G variant is predicted to result in the amino acid substitution p.Arg749Gly. To our knowledge, this variant has not been reported in the literature. This variant is reported in 0.0040% of alleles in individuals of African descent in gnomAD. At this time, the clinical significance of this variant is uncertain due to the absence of conclusive functional and genetic evidence.